The following is an entry in ClinVar:

ClinVar aggregate classification (germline): Likely benign (1 of 4 stars; one submission).

Submission:

CeGaT Center for Human Genetics Tuebingen
Classification: Likely benign. Last evaluated: 2026-05-01. Review status: criteria provided, single submitter. Criteria: CeGaT Center For Human Genetics Tuebingen Variant Classification Criteria Version 2. Collection method: clinical testing. Allele origin: germline. Affected: yes. Observed: 1 variant allele.
Comment: IFT56: BP4, BP7

NM_024926.4(IFT56):c.490C>A (p.Arg164=)

Gene: IFT56 (intraflagellar transport 56; plus strand). Cytogenetic location: 7q34.
Variant type: single nucleotide variant.
Coding change: c.490C>A on transcript NM_024926.4 (MANE Select); coding-DNA position 490, C replaced by A.
Protein change: p.Arg164=; no amino-acid change (arginine 164 retained).
Molecular consequence: synonymous variant. On other transcripts: intron variant (2).
Genome position (GRCh38, 1-based): chr7:139,147,235, C>A. VCF-style: chr7-139147235-C-A. GRCh37 (hg19) VCF-style: chr7-138831981-C-A.
Other names: c.175C>A, p.Arg59= (NM_001287513.2); c.70C>A, p.Arg24= (NM_001318333.2); c.490C>A, p.Arg164= (NM_001321740.2, NM_001321742.2, NM_001144920.3); c.399+4930C>A (NM_001321741.2, NM_001287512.2); c.397C>A, p.Arg133= (NM_001144923.3).
Identifiers: ClinVar variation 4875243 (VCV004875243.2).